The following is an entry in ClinVar:

ClinVar aggregate classification (germline): Pathogenic (3 of 4 stars; one submission).

Conditions:
Lynch syndrome. Identifiers: Orphanet 144, MedGen C4552100, MONDO:0005835. Disease mechanism: loss of function.

Submission:

International Society for Gastrointestinal Hereditary Tumours (InSiGHT)
Classification: Pathogenic for Lynch Syndrome. Last evaluated: 2013-09-05. Review status: reviewed by expert panel. Criteria: Guidelines v1.9. Collection method: research. Allele origin: germline.
Comment: Large deletion

Classified with v1.9 guidelines

NM_000535.7(PMS2):c.164-518_803+252delinsCG

Gene: PMS2 (PMS1 homolog 2, mismatch repair system component; minus strand). Cytogenetic location: 7p22.1.
Variant type: Indel.
Coding change: c.164-518_803+252delinsCG on transcript NM_000535.7 (MANE Select); 518 bases into the intron before coding-DNA position 164 through 252 bases into the intron after coding-DNA position 803, the reference bases replaced by CG.
Molecular consequence: splice acceptor variant, splice donor variant. On other transcripts: initiator codon variant (9).
Genome position (GRCh38, 1-based): chr7:5,997,074-6,004,576, 7,503 bases replaced. GRCh37 (hg19): chr7:6,036,705-6,044,207.
Other names: c.-52-518_485+252delinsCG (NM_001322008.2, NM_001322007.2); c.-242-518_398+252delinsCG (NM_001322010.2, NM_001322004.2, NM_001322003.2 and 2 more transcripts); c.-242-518_230+252delinsCG (NM_001322013.2); c.-721-518_-131+252delinsCG (NM_001322012.2, NM_001322011.2); c.-321-518_494+252delinsCG (NM_001322015.2); c.164-518_803+252delinsCG (NM_001322006.2, NM_001322014.2).
Identifiers: ClinVar variation 91309 (VCV000091309.3), ClinGen allele CA331742.